The following is an entry in ClinVar:

NM_015047.3(EMC1):c.232G>T (p.Val78Phe)

Gene: EMC1 (ER membrane protein complex subunit 1; minus strand). Cytogenetic location: 1p36.13.
Variant type: single nucleotide variant.
Coding change: c.232G>T on transcript NM_015047.3 (MANE Select); coding-DNA position 232, G replaced by T.
Protein change: p.Val78Phe; replaces valine 78 with phenylalanine.
Molecular consequence: missense variant. On other transcripts: intron variant (1).
Genome position (GRCh38, 1-based): chr1:19,244,004, C>A on the plus strand (G>T on the coding strand, the complement: EMC1 is on the minus strand). VCF-style: chr1-19244004-C-A. GRCh37 (hg19) VCF-style: chr1-19570498-C-A.
Other names: c.232G>T, p.Val78Phe (NM_001271427.2, NM_001271428.2, NM_001375820.1 and 1 more transcripts); c.221-297G>T (NM_001271429.2); short protein forms V78F.
Identifiers: ClinVar variation 2816944 (VCV002816944.3), dbSNP rs2536808680, ClinGen allele CA338773324.

ClinVar aggregate classification (germline): Uncertain significance (1 of 4 stars; one submission).

Submission:

Labcorp Genetics (formerly Invitae), Labcorp
Classification: Uncertain significance. Last evaluated: 2022-11-27. Review status: criteria provided, single submitter. Criteria: Invitae Variant Classification Sherloc (09022015). Collection method: clinical testing. Allele origin: germline.
Comment: Advanced modeling of protein sequence and biophysical properties (such as structural, functional, and spatial information, amino acid conservation, physicochemical variation, residue mobility, and thermodynamic stability) has been performed at Invitae for this missense variant, however the output from this modeling did not meet the statistical confidence thresholds required to predict the impact of this variant on EMC1 protein function. In summary, the available evidence is currently insufficient to determine the role of this variant in disease. Therefore, it has been classified as a Variant of Uncertain Significance. This variant has not been reported in the literature in individuals affected with EMC1-related conditions. This variant is not present in population databases (gnomAD no frequency). This sequence change replaces valine, which is neutral and non-polar, with phenylalanine, which is neutral and non-polar, at codon 78 of the EMC1 protein (p.Val78Phe).